The following is an entry in ClinVar:

ClinVar aggregate classification (germline): Uncertain significance (1 of 4 stars; one submission).

Conditions:
Fanconi anemia (FA). Also called: Fanconi's anemia. Identifiers: Orphanet 84, MedGen C0015625, MeSH D005199, MONDO:0019391.

Submission:

Labcorp Genetics (formerly Invitae), Labcorp
Classification: Uncertain significance for Fanconi anemia. Last evaluated: 2022-04-16. Review status: criteria provided, single submitter. Criteria: Invitae Variant Classification Sherloc (09022015). Collection method: clinical testing. Allele origin: germline.
Comment: Algorithms developed to predict the effect of missense changes on protein structure and function are either unavailable or do not agree on the potential impact of this missense change (SIFT: "Tolerated"; PolyPhen-2: "Possibly Damaging"; Align-GVGD: "Class C0"). In summary, the available evidence is currently insufficient to determine the role of this variant in disease. Therefore, it has been classified as a Variant of Uncertain Significance. This variant has not been reported in the literature in individuals affected with SLX4-related conditions. This variant is not present in population databases (gnomAD no frequency). This sequence change replaces alanine, which is neutral and non-polar, with threonine, which is neutral and polar, at codon 1750 of the SLX4 protein (p.Ala1750Thr).

NM_032444.4(SLX4):c.5248G>A (p.Ala1750Thr)

Gene: SLX4 (SLX4 structure-specific endonuclease subunit; minus strand). Cytogenetic location: 16p13.3.
Variant type: single nucleotide variant.
Coding change: c.5248G>A on transcript NM_032444.4 (MANE Select); coding-DNA position 5248, G replaced by A.
Protein change: p.Ala1750Thr; replaces alanine 1750 with threonine.
Molecular consequence: missense variant.
Genome position (GRCh38, 1-based): chr16:3,582,599, C>T on the plus strand (G>A on the coding strand, the complement: SLX4 is on the minus strand). VCF-style: chr16-3582599-C-T. GRCh37 (hg19) VCF-style: chr16-3632600-C-T.
Other names: short protein forms A1750T.
Identifiers: ClinVar variation 2173189 (VCV002173189.4), dbSNP rs771897046, ClinGen allele CA394513887.